The following is an entry in ClinVar:

ClinVar aggregate classification (germline): Uncertain significance (1 of 4 stars; one submission).

Conditions:
Hereditary cancer-predisposing syndrome. Also called: Tumor predisposition; Neoplastic Syndromes, Hereditary; Hereditary Cancer Syndrome; Hereditary neoplastic syndrome. Identifiers: Orphanet 140162, MedGen C0027672, MeSH D009386, MONDO:0015356.

Submission:

Ambry Genetics
Classification: Uncertain significance for Hereditary cancer-predisposing syndrome. Last evaluated: 2025-03-05. Review status: criteria provided, single submitter. Criteria: Ambry Variant Classification Scheme 2023. Collection method: clinical testing. Allele origin: germline.
Comment: The p.D186G variant (also known as c.557A>G), located in coding exon 3 of the MSH6 gene, results from an A to G substitution at nucleotide position 557. The aspartic acid at codon 186 is replaced by glycine, an amino acid with similar properties. This amino acid position is conserved. In addition, this alteration is predicted to be tolerated by in silico analysis. Based on the available evidence, the clinical significance of this variant remains unclear.

NM_000179.3(MSH6):c.557A>G (p.Asp186Gly)

Gene: MSH6 (mutS homolog 6; plus strand). Cytogenetic location: 2p16.3.
Variant type: single nucleotide variant.
Coding change: c.557A>G on transcript NM_000179.3 (MANE Select); coding-DNA position 557, A replaced by G.
Protein change: p.Asp186Gly; replaces aspartic acid 186 with glycine.
Molecular consequence: missense variant. On other transcripts: 5 prime UTR variant (2), non-coding transcript variant (5), intron variant (8).
Genome position (GRCh38, 1-based): chr2:47,795,993, A>G. VCF-style: chr2-47795993-A-G. GRCh37 (hg19) VCF-style: chr2-48023132-A-G.
Other names: c.-346A>G (NM_001281494.2); c.653A>G, p.Asp218Gly (NM_001406795.1, NM_001406802.1); c.557A>G, p.Asp186Gly (NM_001406796.1, NM_001406798.1, NM_001406800.1 and 5 more transcripts); c.260A>G, p.Asp87Gly (NM_001406797.1, NM_001406801.1, NM_001406805.1 and 10 more transcripts); c.32A>G, p.Asp11Gly (NM_001406799.1, NM_001406806.1, NM_001406807.1); c.479A>G, p.Asp160Gly (NM_001406804.1); c.563A>G, p.Asp188Gly (NM_001406813.1); c.-438A>G (NM_001406814.1); and 3 more; short protein forms D130G, D186G, D188G, D218G, D11G, D160G, D87G.
Identifiers: ClinVar variation 3875103 (VCV003875103.1).